The following is an entry in ClinVar:

ClinVar aggregate classification (germline): Pathogenic (1 of 4 stars; one submission).

Conditions:
Hereditary breast ovarian cancer syndrome. Also called: Breast and ovarian cancer; BRCA1- and BRCA2-Associated Hereditary Breast and Ovarian Cancer; Hereditary breast and ovarian cancer; Hereditary breast and ovarian cancer syndrome (HBOC); Hereditary breast and ovarian cancer syndrome; Hereditary breast and/or ovarian cancer syndrome. Identifiers: Orphanet 145, MedGen C0677776, MeSH D061325, MONDO:0003582. Disease mechanism: loss of function.

Submission:

Labcorp Genetics (formerly Invitae), Labcorp
Classification: Pathogenic for Hereditary breast ovarian cancer syndrome. Last evaluated: 2022-09-20. Review status: criteria provided, single submitter. Criteria: Invitae Variant Classification Sherloc (09022015). Collection method: clinical testing. Allele origin: germline.
Comment: For these reasons, this variant has been classified as Pathogenic. This variant disrupts a region of the BRCA2 protein in which other variant(s) (p.Tyr3308*) have been determined to be pathogenic (PMID: 17026620, 18593900, 18607349, 22711857). This suggests that this is a clinically significant region of the protein, and that variants that disrupt it are likely to be disease-causing. This variant has not been reported in the literature in individuals affected with BRCA2-related conditions. This variant is not present in population databases (gnomAD no frequency). This sequence change creates a premature translational stop signal (p.Cys3233Valfs*16) in the BRCA2 gene. While this is not anticipated to result in nonsense mediated decay, it is expected to disrupt the last 186 amino acid(s) of the BRCA2 protein.

Literature cited by the submitters: PubMed 17026620; PubMed 18593900; PubMed 18607349; PubMed 22711857.

NM_000059.4(BRCA2):c.9697del (p.Cys3233fs)

Gene: BRCA2 (BRCA2 DNA repair associated; plus strand). Cytogenetic location: 13q13.1.
Variant type: Deletion.
Coding change: c.9697del on transcript NM_000059.4 (MANE Select); coding-DNA position 9697, one base deleted (T; older notation c.9697delT).
Protein change: p.Cys3233fs; shifts the reading frame from cysteine 3233.
Molecular consequence: frameshift variant.
Genome position (GRCh38, 1-based): chr13:32,398,210, T deleted; the last of 3 consecutive T bases (chr13:32,398,208-32,398,210); deleting any one gives the same sequence. VCF-style (leftmost placement, unchanged base first): chr13-32398207-CT-C. GRCh37 (hg19) VCF-style: chr13-32972344-CT-C.
Other names: c.9601delT, p.Cys3201Valfs (NM_001406719.1); c.9646delT, p.Cys3216Valfs (NM_001406720.1); c.4765delT, p.Cys1589Valfs (NM_001406721.1); c.3280delT, p.Cys1094Valfs (NM_001406722.1); short protein forms C3233fs.
Identifiers: ClinVar variation 2021274 (VCV002021274.4), dbSNP rs2548564652, ClinGen allele CA2580087441.
Genomic context (GRCh38, chr13:32,398,207, plus strand): 5'-TCATTTTTTTATCAGATGTCTTCTCCTAATTGTGAGATATATTATCAAAGTCCTTTATCA[CT>C]TTGTATGGCCAAAAGGAAGTCTGTTTCCACACCTGTCTCAGCCCAGATGACTTCAAAGTC-3'